The following is an entry in ClinVar:

NM_000136.3(FANCC):c.367T>C (p.Ser123Pro)

Gene: FANCC (FA complementation group C; minus strand). Cytogenetic location: 9q22.32.
Variant type: single nucleotide variant.
Coding change: c.367T>C on transcript NM_000136.3 (MANE Select); coding-DNA position 367, T replaced by C.
Protein change: p.Ser123Pro; replaces serine 123 with proline.
Molecular consequence: missense variant.
Genome position (GRCh38, 1-based): chr9:95,172,126, A>G on the plus strand (T>C on the coding strand, the complement: FANCC is on the minus strand). VCF-style: chr9-95172126-A-G. GRCh37 (hg19) VCF-style: chr9-97934408-A-G.
Other names: c.367T>C, p.Ser123Pro (NM_001243743.2, NM_001243744.2); short protein forms S123P.
Identifiers: ClinVar variation 5036479 (VCV005036479.1).
Genomic context (GRCh38, chr9:95,172,126, plus strand): 5'-TAGGTGCATACCCAAGACCTTGAGTGAAAAGAGCAACTTCTTTATCAAATCTGAGTGCTG[A>G]AAGTATATGAGATAATACACCCTAAAAAACATAAACAGAAAAAGTTAACTTCTTTAAAAG-3'
Protein context (NP_000127.2, residues 113-133): WIQGVLSHIL[Ser123Pro]ALRFDKEVAL

ClinVar aggregate classification (germline): Uncertain significance (1 of 4 stars; one submission).

Conditions:
Hereditary cancer-predisposing syndrome. Also called: Neoplastic Syndromes, Hereditary; Tumor predisposition; Hereditary neoplastic syndrome; Hereditary Cancer Syndrome. Identifiers: Orphanet 140162, MedGen C0027672, MeSH D009386, MONDO:0015356.

Submission:

Ambry Genetics
Classification: Uncertain significance for Hereditary cancer-predisposing syndrome. Last evaluated: 2026-08-17. Review status: criteria provided, single submitter. Criteria: Ambry Variant Classification Scheme 2023. Collection method: clinical testing. Allele origin: germline.
Comment: The p.S123P variant (also known as c.367T>C), located in coding exon 4 of the FANCC gene, results from a T to C substitution at nucleotide position 367. The serine at codon 123 is replaced by proline, an amino acid with similar properties. This amino acid position is conserved. In addition, this alteration is predicted to be deleterious by in silico analysis. Based on the available evidence, the clinical significance of this variant remains unclear.